The following is an entry in ClinVar:

ClinVar aggregate classification (germline): Likely benign. Review status: criteria provided, multiple submitters, no conflicts (2 of 4 stars). 2 submissions from 2 submitters: Likely benign (2). Last evaluated 2024-04-22.

Allele frequency attached by ClinVar (database versions not stated): gnomAD exomes below 0.00001.

Submissions (2):

Labcorp Genetics (formerly Invitae), Labcorp
Classification: Likely benign. Last evaluated: 2024-04-22. Review status: criteria provided, single submitter. Criteria: Invitae Variant Classification Sherloc (09022015). Collection method: clinical testing. Allele origin: germline.

GeneDx
Classification: Likely benign. Last evaluated: 2016-10-03. Review status: criteria provided, single submitter. Criteria: GeneDx Variant Classification (06012015). Collection method: clinical testing. Allele origin: germline. Affected: yes.
Comment: This variant is considered likely benign or benign based on one or more of the following criteria: it is a conservative change, it occurs at a poorly conserved position in the protein, it is predicted to be benign by multiple in silico algorithms, and/or has population frequency not consistent with disease.

NM_006231.4(POLE):c.2561+16G>A

Gene: POLE (DNA polymerase epsilon, catalytic subunit; minus strand). Cytogenetic location: 12q24.33.
Variant type: single nucleotide variant.
Coding change: c.2561+16G>A on transcript NM_006231.4 (MANE Select); 16 bases into the intron after coding-DNA position 2561, G replaced by A.
Molecular consequence: intron variant.
Genome position (GRCh38, 1-based): chr12:132,664,354, C>T on the plus strand (G>A on the coding strand, the complement: POLE is on the minus strand). VCF-style: chr12-132664354-C-T. GRCh37 (hg19) VCF-style: chr12-133240940-C-T.
Identifiers: ClinVar variation 389866 (VCV000389866.8), dbSNP rs1057523560, ClinGen allele CA16606438.
Genomic context (GRCh38, chr12:132,664,354, plus strand): 5'-CCTTCCCTCCTTCCTTCCTGCCCATGCTTGCCCCCAGGACCTGCTCCCAGCCCCACGGCT[C>T]CCCTTCTGCACTCACCCAATCTGCTCGATCAGCTCCCGTGCCTGGGTGATGATGTTGGCC-3'